The following is an entry in ClinVar:

ClinVar aggregate classification (germline): Pathogenic (1 of 4 stars; one submission).

Conditions:
Parathyroid carcinoma (PRTC). Also called: CDC73-Related Parathyroid Carcinoma; Parathyroid gland carcinoma. Identifiers: Orphanet 143, MedGen C0687150, MONDO:0012004, OMIM 608266, HP:0006780.

Submission:

Labcorp Genetics (formerly Invitae), Labcorp
Classification: Pathogenic for Parathyroid carcinoma. Last evaluated: 2021-09-15. Review status: criteria provided, single submitter. Criteria: Invitae Variant Classification Sherloc (09022015). Collection method: clinical testing. Allele origin: germline.
Comment: This sequence change creates a premature translational stop signal (p.Phe298Serfs*21) in the CDC73 gene. It is expected to result in an absent or disrupted protein product. Loss-of-function variants in CDC73 are known to be pathogenic (PMID: 12434154). For these reasons, this variant has been classified as Pathogenic. This variant has not been reported in the literature in individuals affected with CDC73-related conditions. This variant is not present in population databases (ExAC no frequency).

Literature cited by the submitters: PubMed 12434154.

NM_024529.5(CDC73):c.893del (p.Phe298fs)

Gene: CDC73 (cell division cycle 73; plus strand). Cytogenetic location: 1q31.2.
Variant type: Deletion.
Coding change: c.893del on transcript NM_024529.5 (MANE Select); coding-DNA position 893, one base deleted (T; older notation c.893delT).
Protein change: p.Phe298fs; shifts the reading frame from phenylalanine 298.
Molecular consequence: frameshift variant.
Genome position (GRCh38, 1-based): chr1:193,150,368, T deleted; the last of 2 consecutive T bases (chr1:193,150,367-193,150,368); deleting either gives the same sequence. VCF-style (leftmost placement, unchanged base first): chr1-193150366-AT-A. GRCh37 (hg19) VCF-style: chr1-193119496-AT-A.
Other names: short protein forms F298fs.
Identifiers: ClinVar variation 1414614 (VCV001414614.6), dbSNP rs2103132250, ClinGen allele CA2573131367.
Genomic context (GRCh38, chr1:193,150,366, plus strand): 5'-TCCCACTTTGCGCACCAAACAGCCTATCCCAGCTGCCTATAACAGATACGATCAGGAAAG[AT>A]TCAAAGGAAAAGAAGGCAAGTTGCTTAATTCTTATCTTCCCCTTAGTGTGGTTGTGTTGA-3'